The following is an entry in ClinVar:

ClinVar aggregate classification (germline): Pathogenic (1 of 4 stars; one submission).

Conditions:
Perlman syndrome (PRLMNS). Identifiers: Orphanet 2849, MedGen C0796113, MONDO:0009965, OMIM 267000.

Submission:

Labcorp Genetics (formerly Invitae), Labcorp
Classification: Pathogenic for Perlman syndrome. Last evaluated: 2020-03-28. Review status: criteria provided, single submitter. Criteria: Invitae Variant Classification Sherloc (09022015). Collection method: clinical testing. Allele origin: germline.
Comment: For these reasons, this variant has been classified as Pathogenic. Loss-of-function variants in DIS3L2 are known to be pathogenic (PMID: 22306653). This variant has not been reported in the literature in individuals with DIS3L2-related disease. This variant is an out-of-frame deletion of the genomic region encompassing exons 12-14 of the DIS3L2 gene. This is expected to create a premature translational stop signal and result in an absent or disrupted protein product.

Literature cited by the submitters: PubMed 22306653.

NC_000002.12:g.(?_232249229)_(232300129_?)del

Genes: DIS3L2 (DIS3 like 3'-5' exoribonuclease 2; plus strand), LOC129935858 (ATAC-STARR-seq lymphoblastoid silent region 12457; plus strand), LOC129935857 (ATAC-STARR-seq lymphoblastoid silent region 12456; plus strand), LOC122861313 (Sharpr-MPRA regulatory region 824; plus strand). Cytogenetic location: 2q37.1.
Variant type: Deletion.
Identifiers: ClinVar variation 649080 (VCV000649080.4).